The following is an entry in ClinVar:

NM_000814.6(GABRB3):c.400G>A (p.Val134Met)

Gene: GABRB3 (gamma-aminobutyric acid type A receptor subunit beta3; minus strand). Cytogenetic location: 15q12.
Variant type: single nucleotide variant.
Coding change: c.400G>A on transcript NM_000814.6 (MANE Select); coding-DNA position 400, G replaced by A.
Protein change: p.Val134Met; replaces valine 134 with methionine.
Molecular consequence: missense variant. On other transcripts: non-coding transcript variant (1).
Genome position (GRCh38, 1-based): chr15:26,621,375, C>T on the plus strand (G>A on the coding strand, the complement: GABRB3 is on the minus strand). VCF-style: chr15-26621375-C-T. GRCh37 (hg19) VCF-style: chr15-26866522-C-T.
Other names: c.145G>A, p.Val49Met (NM_001191320.2, NM_001278631.2); c.187G>A, p.Val63Met (NM_001191321.3); c.400G>A, p.Val134Met (NM_021912.5); short protein forms V134M, V49M, V63M.
Identifiers: ClinVar variation 1198757 (VCV001198757.3), dbSNP rs2140536891, ClinGen allele CA391460756.

ClinVar aggregate classification (germline): Likely pathogenic (1 of 4 stars; one submission).

Submission:

GeneDx
Classification: Likely pathogenic. Last evaluated: 2022-12-01. Review status: criteria provided, single submitter. Criteria: GeneDx Variant Classification Process June 2021. Collection method: clinical testing. Allele origin: germline. Affected: yes.
Comment: Not observed at significant frequency in large population cohorts (gnomAD); In silico analysis, which includes protein predictors and evolutionary conservation, supports a deleterious effect; Has not been previously published as pathogenic or benign to our knowledge